The following is an entry in ClinVar:

ClinVar aggregate classification (germline): Uncertain significance (1 of 4 stars; one submission).

Submission:

Ambry Genetics
Classification: Uncertain significance. Last evaluated: 2025-06-25. Review status: criteria provided, single submitter. Criteria: Ambry Variant Classification Scheme 2023. Collection method: clinical testing. Allele origin: germline.
Comment: The p.P1395L variant (also known as c.4184C>T), located in coding exon 19 of the WNK2 gene, results from a C to T substitution at nucleotide position 4184. The proline at codon 1395 is replaced by leucine, an amino acid with similar properties. This amino acid position is conserved. In addition, this alteration is predicted to be tolerated by in silico analysis. Based on the available evidence, the clinical significance of this variant remains unclear.

NM_006648.4(WNK2):c.4184C>T (p.Pro1395Leu)

Gene: WNK2 (WNK lysine deficient protein kinase 2; plus strand). Cytogenetic location: 9q22.31.
Variant type: single nucleotide variant.
Coding change: c.4184C>T on transcript NM_006648.4 (MANE Select); coding-DNA position 4184, C replaced by T.
Protein change: p.Pro1395Leu; replaces proline 1395 with leucine.
Molecular consequence: missense variant.
Genome position (GRCh38, 1-based): chr9:93,288,938, C>T. VCF-style: chr9-93288938-C-T. GRCh37 (hg19) VCF-style: chr9-96051220-C-T.
Other names: c.4295C>T, p.Pro1432Leu (NM_001282394.3); short protein forms P1395L, P1432L.
Identifiers: ClinVar variation 4201564 (VCV004201564.1).